The following is an entry in ClinVar:

ClinVar aggregate classification (germline): Conflicting classifications of pathogenicity. Review status: criteria provided, conflicting classifications (1 of 4 stars). 8 submissions from 8 submitters: Uncertain significance (2); Benign (3); Likely benign (2). 1 of the submissions does not count toward it. Last evaluated 2026-04-01.

Conditions:
EPM2A-related disorder. Also called: EPM2A-related condition.
Inborn genetic diseases. Identifiers: MedGen C0950123, MeSH D030342.
Progressive myoclonic epilepsy. Also called: Myoclonus epilepsy; Myoclonic Epilepsies, Progressive; Familial progressive myoclonic epilepsy; Progressive myoclonus epilepsy. Identifiers: Orphanet 308, Orphanet 98261, MedGen C0751778, MONDO:0020074.
Microcephaly. Also called: Microcephaly (disease). Identifiers: MedGen C4551563, MONDO:0001149, HP:0000252.
Cataract. Also called: Cataract (disease); cataracts. Identifiers: MedGen C0086543, MeSH D002386, MONDO:0005129, HP:0000518.
Severe global developmental delay. Also called: Severe psychomotor retardation. Identifiers: MedGen C1837397, HP:0011344.

Allele frequency attached by ClinVar (database versions not stated): gnomAD 0.00041 and 0.00046; 1000 Genomes Project 30x 0.00078; gnomAD exomes 0.00087 and 0.00049; 1000 Genomes Project 0.00080; ESP Exome Variant Server 0.00023; TOPMed 0.00050; ExAC 0.00079.
gnomAD v4.1: 821 of 1,613,832 alleles (0.051%); highest among the groups gnomAD compares: Middle Eastern, 0.3%; 8 homozygotes.

Submissions (8):

CeGaT Center for Human Genetics Tuebingen
Classification: Likely benign. Last evaluated: 2026-04-01. Review status: criteria provided, single submitter. Criteria: CeGaT Center For Human Genetics Tuebingen Variant Classification Criteria Version 2. Collection method: clinical testing. Allele origin: germline. Affected: yes. Observed: 3 variant alleles.
Comment: EPM2A: BP4

Labcorp Genetics (formerly Invitae), Labcorp
Classification: Benign for Progressive myoclonic epilepsy. Last evaluated: 2025-12-01. Review status: criteria provided, single submitter. Criteria: Invitae Variant Classification Sherloc (09022015). Collection method: clinical testing. Allele origin: germline.

Blueprint Genetics
Classification: Likely benign. Last evaluated: 2024-10-23. Review status: criteria provided, single submitter. Criteria: ACMG Guidelines, 2015. Collection method: clinical testing. Allele origin: germline.

GeneDx
Classification: Benign. Last evaluated: 2019-04-09. Review status: criteria provided, single submitter. Criteria: GeneDx Variant Classification Process June 2021. Collection method: clinical testing. Allele origin: germline. Affected: yes.

Ambry Genetics
Classification: Uncertain significance for Inborn genetic diseases. Last evaluated: 2017-09-21. Review status: criteria provided, single submitter. Criteria: Ambry Variant Classification Scheme 2023. Collection method: clinical testing. Allele origin: germline.
Comment: The p.I126V variant (also known as c.376A>G), located in coding exon 2 of the EPM2A gene, results from an A to G substitution at nucleotide position 376. The isoleucine at codon 126 is replaced by valine, an amino acid with highly similar properties. This amino acid position is not well conserved in available vertebrate species. In addition, this alteration is predicted to be tolerated by in silico analysis. Since supporting evidence is limited at this time, the clinical significance of this alteration remains unclear.

Centre for Mendelian Genomics, University Medical Centre Ljubljana
Classification: Uncertain significance for Cataract; Microcephaly; Severe global developmental delay. Last evaluated: 2017-01-01. Review status: criteria provided, single submitter. Criteria: ACMG Guidelines, 2015. Collection method: clinical testing. Allele origin: unknown. Affected: yes.

Eurofins Ntd Llc (ga)
Classification: Benign. Last evaluated: 2014-03-14. Review status: criteria provided, single submitter. Criteria: EGL Classification Definitions 2015. Collection method: clinical testing. Allele origin: germline. Observed: 1 variant allele, 1 homozygote.

PreventionGenetics, part of Exact Sciences
Classification: Benign for EPM2A-related condition. Last evaluated: 2020-03-23. Review status: no assertion criteria provided. Collection method: clinical testing. Allele origin: germline. Not counted in ClinVar's aggregate classification.
Comment: This variant is classified as benign based on ACMG/AMP sequence variant interpretation guidelines (Richards et al. 2015 PMID: 25741868, with internal and published modifications).

NM_005670.4(EPM2A):c.376A>G (p.Ile126Val)

Gene: EPM2A (EPM2A glucan phosphatase, laforin; minus strand). Cytogenetic location: 6q24.3.
Variant type: single nucleotide variant.
Coding change: c.376A>G on transcript NM_005670.4 (MANE Select); coding-DNA position 376, A replaced by G.
Protein change: p.Ile126Val; replaces isoleucine 126 with valine.
Molecular consequence: missense variant. On other transcripts: 5 prime UTR variant (5), non-coding transcript variant (1).
Genome position (GRCh38, 1-based): chr6:145,686,222, T>C on the plus strand (A>G on the coding strand, the complement: EPM2A is on the minus strand). VCF-style: chr6-145686222-T-C. GRCh37 (hg19) VCF-style: chr6-146007358-T-C.
Other names: p.I126V:ATA>GTA; c.376A>G, p.Ile126Val (NM_001018041.2, NM_001360057.2, NM_001368130.1); c.-39A>G (NM_001360064.2, NM_001360071.2, NM_001368131.1); c.-248A>G (NM_001368129.2, NM_001368132.1); short protein forms I126V.
Identifiers: ClinVar variation 167038 (VCV000167038.80), dbSNP rs150452237, ClinGen allele CA295611.